The following is an entry in ClinVar:

ClinVar aggregate classification (germline): Pathogenic (1 of 4 stars; one submission).

Conditions:
Hereditary spastic paraplegia 4. Also called: Spastic Paraplegia 4; Familial spastic paraplegia autosomal dominant 2; Spastic paraplegia 4, autosomal dominant. Identifiers: Orphanet 100985, MedGen C1866855, MONDO:0008438, OMIM 182601.

Submission:

Labcorp Genetics (formerly Invitae), Labcorp
Classification: Pathogenic for Hereditary spastic paraplegia 4. Last evaluated: 2022-11-18. Review status: criteria provided, single submitter. Criteria: Invitae Variant Classification Sherloc (09022015). Collection method: clinical testing. Allele origin: germline.
Comment: For these reasons, this variant has been classified as Pathogenic. This variant has not been reported in the literature in individuals affected with SPAST-related conditions. This variant is not present in population databases (gnomAD no frequency). This sequence change creates a premature translational stop signal (p.Leu522Tyrfs*8) in the SPAST gene. It is expected to result in an absent or disrupted protein product. Loss-of-function variants in SPAST are known to be pathogenic (PMID: 20932283).

Literature cited by the submitters: PubMed 20932283.

NM_014946.4(SPAST):c.1563del (p.Leu522fs)

Gene: SPAST (spastin; plus strand). Cytogenetic location: 2p22.3.
Variant type: Deletion.
Coding change: c.1563del on transcript NM_014946.4 (MANE Select); coding-DNA position 1563, one base deleted (G; older notation c.1563delG).
Protein change: p.Leu522fs; shifts the reading frame from leucine 522.
Molecular consequence: frameshift variant.
Genome position (GRCh38, 1-based): chr2:32,143,362, G deleted. VCF-style (leftmost placement, unchanged base first): chr2-32143361-TG-T. GRCh37 (hg19) VCF-style: chr2-32368430-TG-T.
Other names: c.1560del, p.Leu521fs (NM_001363823.2); c.1464del, p.Leu489fs (NM_001363875.2); c.1467del, p.Leu490fs (NM_001377959.1, NM_199436.2); short protein forms L489fs, L522fs, L490fs, L521fs.
Identifiers: ClinVar variation 2813720 (VCV002813720.3), dbSNP rs2465903125, ClinGen allele CA2739274300.
Genomic context (GRCh38, chr2:32,143,361, plus strand): 5'-ATTAGACTGAATGATCATTTTTTAATATTTTTCAGACAAGACTACTTTTGCTTAAAAATC[TG>T]TTATGTAAACAAGGAAGTCCATTGACCCAAAAAGAACTAGCACAACTTGCTAGGTGAGTA-3'